The following is an entry in ClinVar:

NM_003000.3(SDHB):c.555G>A (p.Glu185=)

Gene: SDHB (succinate dehydrogenase complex iron sulfur subunit B; minus strand). Cytogenetic location: 1p36.13.
Variant type: single nucleotide variant.
Coding change: c.555G>A on transcript NM_003000.3 (MANE Select); coding-DNA position 555, G replaced by A.
Protein change: p.Glu185=; no amino-acid change (glutamic acid 185 retained).
Molecular consequence: synonymous variant.
Genome position (GRCh38, 1-based): chr1:17,024,060, C>T on the plus strand (G>A on the coding strand, the complement: SDHB is on the minus strand). VCF-style: chr1-17024060-C-T. GRCh37 (hg19) VCF-style: chr1-17350555-C-T.
Other names: c.501G>A, p.Glu167= (NM_001407361.1).
Identifiers: ClinVar variation 1748290 (VCV001748290.6), dbSNP rs761890806, ClinGen allele CA089670.

ClinVar aggregate classification (germline): Benign/Likely benign. Review status: criteria provided, multiple submitters, no conflicts (2 of 4 stars). 3 submissions from 3 submitters: Benign (1); Likely benign (2). Last evaluated 2025-03-13.

Conditions:
Pheochromocytoma/paraganglioma syndrome 4. Also called: CAROTID BODY TUMORS AND MULTIPLE EXTRAADRENAL PHEOCHROMOCYTOMAS; PARAGANGLIOMA, FAMILIAL MALIGNANT; PARAGANGLIOMAS, HEREDITARY EXTRAADRENAL; PHEOCHROMOCYTOMA, FAMILIAL EXTRAADRENAL; Paragangliomas 4; SDHB-Related Hereditary Paraganglioma-Pheochromocytoma Syndrome (Paragangliomas 4). Identifiers: Orphanet 29072, MedGen C1861848, MONDO:0007273, OMIM 115310.
Pheochromocytoma. Also called: MAX-Related Hereditary Paraganglioma-Pheochromocytoma Syndrome. Identifiers: Orphanet 29072, MedGen C0031511, MONDO:0008233, OMIM 171300, HP:0002666.
Gastrointestinal stromal tumor. Also called: Gastrointestinal stromal tumor, somatic; Gastrointestinal stroma tumor. Identifiers: Orphanet 44890, MedGen C0238198, MeSH D046152, MONDO:0011719, OMIM 606764, HP:0100723.
Hereditary cancer-predisposing syndrome. Also called: Neoplastic Syndromes, Hereditary; Tumor predisposition; Hereditary Cancer Syndrome; Hereditary neoplastic syndrome. Identifiers: Orphanet 140162, MedGen C0027672, MeSH D009386, MONDO:0015356.

Allele frequency attached by ClinVar (database versions not stated): gnomAD exomes below 0.00001; ExAC 0.00001.
gnomAD v4.1: 1 of 1,613,376 alleles (0.000062%); highest among the groups gnomAD compares: Admixed American, 0.0017%; no homozygotes.

Submissions (3):

Myriad Genetics, Inc.
Classification: Benign for Pheochromocytoma/paraganglioma syndrome 4. Last evaluated: 2025-03-13. Review status: criteria provided, single submitter. Criteria: Myriad Autosomal Dominant, Autosomal Recessive and X-Linked Classification Criteria (2023). Collection method: clinical testing. Allele origin: unknown.
Comment: This variant is considered benign. This variant is a silent/synonymous amino acid change and it is not expected to impact splicing.

Labcorp Genetics (formerly Invitae), Labcorp
Classification: Likely benign for Gastrointestinal stromal tumor; Pheochromocytoma/paraganglioma syndrome 4; Pheochromocytoma. Last evaluated: 2022-12-19. Review status: criteria provided, single submitter. Criteria: Invitae Variant Classification Sherloc (09022015). Collection method: clinical testing. Allele origin: germline.

Ambry Genetics
Classification: Likely benign for Hereditary cancer-predisposing syndrome. Last evaluated: 2019-07-07. Review status: criteria provided, single submitter. Criteria: Ambry Variant Classification Scheme 2023. Collection method: clinical testing. Allele origin: germline.